The following is an entry in ClinVar:

NC_000001.10:g.(?_173876568)_(173879100_?)dup

Gene: SERPINC1 (serpin family C member 1; minus strand). Cytogenetic location: 1q25.1.
Variant type: Duplication.
Identifiers: ClinVar variation 3247686 (VCV003247686.1).

ClinVar aggregate classification (germline): Uncertain significance (1 of 4 stars; one submission).

Conditions:
Hereditary antithrombin deficiency (AT3D). Also called: Reduced antithrombin III activity; Antithrombin III deficiency; Thrombophilia due to antithrombin III deficiency; Antithrombin deficiency. Identifiers: Orphanet 82, MedGen C0272375, MONDO:0013144, OMIM 613118, HP:0001976.

Submission:

Labcorp Genetics (formerly Invitae), Labcorp
Classification: Uncertain significance for Hereditary antithrombin deficiency. Last evaluated: 2023-07-14. Review status: criteria provided, single submitter. Criteria: Invitae Variant Classification Sherloc (09022015). Collection method: clinical testing. Allele origin: unknown.
Comment: This variant results in a copy number gain of the genomic region encompassing exon(s) 5-6 of the SERPINC1 gene. While the exact position of this variant cannot be determined from the data, sub-genic copy number gains are generally in tandem (PMID: 25640679). This variant is predicted to be in-frame, and likely preserves the integrity of the reading frame. This variant has not been reported in the literature in individuals affected with SERPINC1-related conditions. Experimental studies and prediction algorithms are not available or were not evaluated, and the functional significance of this variant is currently unknown. In summary, the available evidence is currently insufficient to determine the role of this variant in disease. Therefore, it has been classified as a Variant of Uncertain Significance.

Literature cited by the submitters: PubMed 25640679.